The following is an entry in ClinVar:

NM_000189.5(HK2):c.2531G>A (p.Arg844Lys)

Gene: HK2 (hexokinase 2; plus strand). Cytogenetic location: 2p12.
Variant type: single nucleotide variant.
Coding change: c.2531G>A on transcript NM_000189.5 (MANE Select); coding-DNA position 2531, G replaced by A.
Protein change: p.Arg844Lys; replaces arginine 844 with lysine.
Molecular consequence: missense variant.
Genome position (GRCh38, 1-based): chr2:74,889,400, G>A. VCF-style: chr2-74889400-G-A. GRCh37 (hg19) VCF-style: chr2-75116527-G-A.
Other names: c.2447G>A, p.Arg816Lys (NM_001371525.2); short protein forms R816K, R844K.
Identifiers: ClinVar variation 3056076 (VCV003056076.2), dbSNP rs2229629, ClinGen allele CA1731742.

ClinVar aggregate classification (germline): Benign (0 of 4 stars; one submission).

Conditions:
HK2-related disorder. Also called: HK2-related condition.

Allele frequency attached by ClinVar (database versions not stated): ExAC 0.07128; ESP Exome Variant Server 0.18607; 1000 Genomes Project 0.20867; 1000 Genomes Project 30x 0.21986; gnomAD 0.17066; TOPMed 0.19129; gnomAD exomes 0.03056.
gnomAD v4.1: 71,755 of 1,613,952 alleles (4.4%); highest among the groups gnomAD compares: African/African-American, 55%; 12,294 homozygotes.

Submission:

PreventionGenetics, part of Exact Sciences
Classification: Benign for HK2-related condition. Last evaluated: 2019-11-06. Review status: no assertion criteria provided. Collection method: clinical testing. Allele origin: germline.
Comment: This variant is classified as benign based on ACMG/AMP sequence variant interpretation guidelines (Richards et al. 2015 PMID: 25741868, with internal and published modifications).